The following is an entry in ClinVar:

ClinVar aggregate classification (germline): Likely pathogenic (1 of 4 stars; one submission).

Conditions:
Neuronal ceroid lipofuscinosis 1 (CLN1). Also called: PPT1-Related Neuronal Ceroid-Lipofuscinosis; CEROID LIPOFUSCINOSIS, NEURONAL, 1, VARIABLE AGE AT ONSET. Identifiers: Orphanet 228329, MedGen C1850451, MONDO:0009744, OMIM 256730.

Submission:

Labcorp Genetics (formerly Invitae), Labcorp
Classification: Likely pathogenic for Neuronal ceroid lipofuscinosis 1. Last evaluated: 2022-03-14. Review status: criteria provided, single submitter. Criteria: Invitae Variant Classification Sherloc (09022015). Collection method: clinical testing. Allele origin: germline.
Comment: In summary, the currently available evidence indicates that the variant is pathogenic, but additional data are needed to prove that conclusively. Therefore, this variant has been classified as Likely Pathogenic. Experimental studies and prediction algorithms are not available or were not evaluated, and the functional significance of this variant is currently unknown. A similar copy number variant has been observed in individual(s) with clinical features of neuronal ceroid lipofuscinosis (Invitae). In at least one individual the data is consistent with being in trans (on the opposite chromosome) from a pathogenic variant. This variant results in a copy number gain of the genomic region encompassing exon(s) 4-5 of the PPT1 gene. While the exact position of this variant cannot be determined from the data, sub-genic copy number gains are generally in tandem (PMID: 25640679). This variant is predicted to be in-frame, and likely preserves the integrity of the reading frame.

Literature cited by the submitters: PubMed 25640679.

NC_000001.10:g.(?_40555062)_(40557091_?)dup

Gene: PPT1 (palmitoyl-protein thioesterase 1; minus strand). Cytogenetic location: 1p34.2.
Variant type: Duplication.
Identifiers: ClinVar variation 1510545 (VCV001510545.5).